The following is an entry in ClinVar:

NM_002470.4(MYH3):c.1844A>T (p.Asn615Ile)

Gene: MYH3 (myosin heavy chain 3; minus strand). Cytogenetic location: 17p13.1.
Variant type: single nucleotide variant.
Coding change: c.1844A>T on transcript NM_002470.4 (MANE Select); coding-DNA position 1844, A replaced by T.
Protein change: p.Asn615Ile; replaces asparagine 615 with isoleucine.
Molecular consequence: missense variant.
Genome position (GRCh38, 1-based): chr17:10,642,461, T>A on the plus strand (A>T on the coding strand, the complement: MYH3 is on the minus strand). VCF-style: chr17-10642461-T-A. GRCh37 (hg19) VCF-style: chr17-10545778-T-A.
Other names: short protein forms N615I.
Identifiers: ClinVar variation 3634456 (VCV003634456.2).
Genomic context (GRCh38, chr17:10,642,461, plus strand): 5'-AAAGCACTCCTCTTACCATCCGCCGTGGCAAACGTGGCATAGAGGTGTGCCAGGAGCCTG[T>A]TGGAAGACTTCTGGTACAGCCCAACCACAGTCTCGTTCAGAGGGTCCTTGTTCTTCTCCA-3'
Protein context (NP_002461.2, residues 605-625): TVVGLYQKSS[Asn615Ile]RLLAHLYATF

ClinVar aggregate classification (germline): Uncertain significance (1 of 4 stars; one submission).

Submission:

Labcorp Genetics (formerly Invitae), Labcorp
Classification: Uncertain significance. Last evaluated: 2025-02-27. Review status: criteria provided, single submitter. Criteria: Invitae Variant Classification Sherloc (09022015). Collection method: clinical testing. Allele origin: germline.
Comment: This sequence change replaces asparagine, which is neutral and polar, with isoleucine, which is neutral and non-polar, at codon 615 of the MYH3 protein (p.Asn615Ile). This variant is not present in population databases (gnomAD no frequency). This variant has not been reported in the literature in individuals affected with MYH3-related conditions. Invitae Evidence Modeling of protein sequence and biophysical properties (such as structural, functional, and spatial information, amino acid conservation, physicochemical variation, residue mobility, and thermodynamic stability) indicates that this missense variant is not expected to disrupt MYH3 protein function with a negative predictive value of 95%. In summary, the available evidence is currently insufficient to determine the role of this variant in disease. Therefore, it has been classified as a Variant of Uncertain Significance.